The following is an entry in ClinVar:

ClinVar aggregate classification (germline): Likely pathogenic (1 of 4 stars; one submission).

Conditions:
Holocarboxylase synthetase deficiency. Also called: MULTIPLE CARBOXYLASE DEFICIENCY, EARLY ONSET. Identifiers: Orphanet 79242, MedGen C0268581, MONDO:0009666, OMIM 253270.

Submission:

Myriad Genetics, Inc.
Classification: Likely pathogenic for Holocarboxylase synthetase deficiency. Last evaluated: 2021-12-16. Review status: criteria provided, single submitter. Criteria: Myriad Women's Health Autosomal Recessive and X-Linked Classification Criteria (2021). Collection method: clinical testing. Allele origin: unknown.
Comment: NM_000411.6(HLCS):c.874delC(Q292Rfs*24) is expected to be pathogenic in the context of holocarboxylase synthetase deficiency. This variant is predicted to lead to an abnormal or absent protein product due to the creation of a premature termination codon in HLCS, a gene where loss-of-function variants are known to be pathogenic. Please note: this variant was assessed in the context of healthy population screening.

NM_001352514.2(HLCS):c.1315del (p.Gln439fs)

Gene: HLCS (holocarboxylase synthetase; minus strand). Cytogenetic location: 21q22.13.
Variant type: Deletion.
Coding change: c.1315del on transcript NM_001352514.2 (MANE Select); coding-DNA position 1315, one base deleted (C; older notation c.1315delC).
Protein change: p.Gln439fs; shifts the reading frame from glutamine 439.
Molecular consequence: frameshift variant. On other transcripts: non-coding transcript variant (2).
Genome position (GRCh38, 1-based): chr21:36,936,571, G deleted on the plus strand (C on the coding strand, the reverse complement: HLCS is on the minus strand); the first of 2 consecutive G bases (chr21:36,936,571-36,936,572); deleting either gives the same sequence. VCF-style (leftmost placement, unchanged base first): chr21-36936570-TG-T. GRCh37 (hg19) VCF-style: chr21-38308870-TG-T.
Other names: c.874del, p.Gln292fs (NM_000411.8, NM_001242784.3, NM_001242785.2 and 4 more transcripts); short protein forms Q292fs, Q439fs.
Identifiers: ClinVar variation 1726357 (VCV001726357.2), dbSNP rs2517575875, ClinGen allele CA2580098663.